The following is an entry in ClinVar:

ClinVar aggregate classification (germline): Uncertain significance (1 of 4 stars; one submission).

Conditions:
Autism, susceptibility to, X-linked 2 (AUTSX2). Also called: Autism susceptibility, X-linked 2. Identifiers: MedGen C1845539, MONDO:0010341, OMIM 300495.

Submission:

Baylor Genetics
Classification: Uncertain significance for Autism, susceptibility to, X-linked 2. Last evaluated: 2020-10-30. Review status: criteria provided, single submitter. Criteria: ACMG Guidelines, 2015. Collection method: clinical testing. Allele origin: unknown. Affected: yes.
Comment: This variant was determined to be of uncertain significance according to ACMG Guidelines, 2015 [PMID:25741868].

NM_181332.3(NLGN4X):c.872A>G (p.Tyr291Cys)

Gene: NLGN4X (neuroligin 4 X-linked; minus strand). Cytogenetic location: Xp22.32.
Variant type: single nucleotide variant.
Coding change: c.872A>G on transcript NM_181332.3 (MANE Select); coding-DNA position 872, A replaced by G.
Protein change: p.Tyr291Cys; replaces tyrosine 291 with cysteine.
Molecular consequence: missense variant.
Genome position (GRCh38, 1-based): chrX:5,903,806, T>C on the plus strand (A>G on the coding strand, the complement: NLGN4X is on the minus strand). VCF-style: chrX-5903806-T-C. GRCh37 (hg19) VCF-style: chrX-5821847-T-C.
Other names: c.872A>G, p.Tyr291Cys (NM_001282145.2, NM_001282146.2, NM_020742.4); short protein forms Y291C.
Identifiers: ClinVar variation 1030724 (VCV001030724.1), dbSNP rs2032034964, ClinGen allele CA412011657.